The following is an entry in ClinVar:

ClinVar aggregate classification (germline): Pathogenic. Review status: reviewed by expert panel (3 of 4 stars). 4 submissions from 4 submitters: Pathogenic (1). 3 of the submissions do not count toward it. Last evaluated 2017-12-15.

Conditions:
Hereditary cancer-predisposing syndrome. Also called: Tumor predisposition; Neoplastic Syndromes, Hereditary; Hereditary Cancer Syndrome; Hereditary neoplastic syndrome. Identifiers: Orphanet 140162, MedGen C0027672, MeSH D009386, MONDO:0015356.
Hereditary breast ovarian cancer syndrome. Also called: Hereditary breast and ovarian cancer syndrome (HBOC); Hereditary breast and ovarian cancer syndrome; Hereditary breast and ovarian cancer; Hereditary breast and/or ovarian cancer syndrome; Breast and ovarian cancer; BRCA1- and BRCA2-Associated Hereditary Breast and Ovarian Cancer. Identifiers: Orphanet 145, MedGen C0677776, MeSH D061325, MONDO:0003582. Disease mechanism: loss of function.
Breast-ovarian cancer, familial, susceptibility to, 1 (BROVCA1). Also called: OVARIAN CANCER, SUSCEPTIBILITY TO; BRCA1 Hereditary Breast and Ovarian Cancer. Identifiers: Orphanet 145, MedGen C2676676, MONDO:0011450, OMIM 604370. Disease mechanism: loss of function.
Familial cancer of breast. Also called: Hereditary breast cancer; hereditary breast carcinoma; BREAST CANCER, FAMILIAL. Identifiers: Orphanet 227535, MedGen C0346153, MONDO:0016419, OMIM 114480. Disease mechanism: loss of function.

Submissions (4):

Evidence-based Network for the Interpretation of Germline Mutant Alleles (ENIGMA)
Classification: Pathogenic for Breast-ovarian cancer, familial, susceptibility to, 1. Last evaluated: 2017-12-15. Review status: reviewed by expert panel. Criteria: ENIGMA BRCA1/2 Classification Criteria (2017-06-29). Collection method: curation. Allele origin: germline. Study: ENIGMA.
Comment: Variant allele predicted to encode a truncated non-functional protein.

Ambry Genetics
Classification: Pathogenic for Hereditary cancer-predisposing syndrome. Last evaluated: 2023-12-01. Review status: criteria provided, single submitter. Criteria: Ambry Variant Classification Scheme 2023. Collection method: clinical testing. Allele origin: germline. Not counted in ClinVar's aggregate classification.
Comment: The c.1265_1266dupAT pathogenic mutation, located in coding exon 9 of the BRCA1 gene, results from a duplication of AT at nucleotide position 1265, causing a translational frameshift with a predicted alternate stop codon (p.S423Ifs*8). This alteration was observed in 1/121 early-onset breast cancer patients from Thailand (Ahmad J et al. Clin Genet, 2012 Dec;82:594-8). This variant is considered to be rare based on population cohorts in the Genome Aggregation Database (gnomAD). In addition to the clinical data presented in the literature, this alteration is expected to result in loss of function by premature protein truncation or nonsense-mediated mRNA decay. As such, this alteration is interpreted as a disease-causing mutation.

Labcorp Genetics (formerly Invitae), Labcorp
Classification: Pathogenic for Hereditary breast ovarian cancer syndrome. Last evaluated: 2023-05-23. Review status: criteria provided, single submitter. Criteria: Invitae Variant Classification Sherloc (09022015). Collection method: clinical testing. Allele origin: germline. Not counted in ClinVar's aggregate classification.
Comment: For these reasons, this variant has been classified as Pathogenic. ClinVar contains an entry for this variant (Variation ID: 54181). This variant is also known as c.1267insAT (p.S423fs). This premature translational stop signal has been observed in individual(s) with breast cancer (PMID: 22486713). This variant is not present in population databases (gnomAD no frequency). This sequence change creates a premature translational stop signal (p.Ser423Ilefs*8) in the BRCA1 gene. It is expected to result in an absent or disrupted protein product. Loss-of-function variants in BRCA1 are known to be pathogenic (PMID: 20104584).

ClinVar Staff, National Center for Biotechnology Information (NCBI)
No classification provided. Condition: Familial cancer of breast. Review status: no classification provided. Collection method: literature only. Allele origin: germline. Affected: yes. Not counted in ClinVar's aggregate classification.

Literature cited by the submitters: PubMed 22486713 (cited by 3 submitters); PubMed 20104584 (cited by Labcorp Genetics (formerly Invitae), Labcorp).

NM_007294.4(BRCA1):c.1265_1266dup (p.Ser423fs)

Gene: BRCA1 (BRCA1 DNA repair associated; minus strand). Cytogenetic location: 17q21.31.
Variant type: Microsatellite.
Coding change: c.1265_1266dup on transcript NM_007294.4 (MANE Select); coding-DNA positions 1265 to 1266, 2 bases duplicated (AT; older notation c.1265_1266dupAT).
Protein change: p.Ser423fs; shifts the reading frame from serine 423.
Molecular consequence: frameshift variant. On other transcripts: intron variant (137).
Genome position (GRCh38, 1-based): chr17:43,094,265-43,094,266, AT duplicated on the plus strand (AT on the coding strand, the reverse complement: BRCA1 is on the minus strand); duplicating any 2 consecutive bases within chr17:43,094,265-43,094,268 gives the same sequence; the c. name uses the placement nearest the transcript's 3' end. VCF-style (leftmost placement, unchanged base first): chr17-43094264-A-AAT. GRCh37 (hg19) VCF-style: chr17-41246281-A-AAT.
Other names: c.1265_1266dupAT (NM_007294.3); c.1001_1002dup, p.Ser335fs (NM_001407920.1, NM_001407921.1, NM_001407922.1 and 9 more transcripts); c.998_999dup, p.Ser334fs (NM_001407930.1, NM_001407931.1, NM_001407932.1 and 2 more transcripts); c.1142_1143dup, p.Ser382fs (NM_001407937.1, NM_001407938.1, NM_001407939.1 and 19 more transcripts); c.1139_1140dup, p.Ser381fs (NM_001407940.1, NM_001407941.1, NM_001407649.1 and 11 more transcripts); c.1124_1125dup, p.Ser376fs (NM_001407942.1, NM_001407944.1, NM_001407945.1 and 29 more transcripts); c.1121_1122dup, p.Ser375fs (NM_001407943.1, NM_001407964.1, NM_001407740.1 and 20 more transcripts); c.932_933dup, p.Ser312fs (NM_001407946.1, NM_001407947.1, NM_001407948.1 and 6 more transcripts); and 41 more; short protein forms S376fs, S423fs, S255fs, S312fs, S352fs, S356fs, S127fs, S296fs.
Identifiers: ClinVar variation 54181 (VCV000054181.13), dbSNP rs397508850, ClinGen allele CA026486.